The following is an entry in ClinVar:

NM_000126.4(ETFA):c.104C>G (p.Pro35Arg)

Gene: ETFA (electron transfer flavoprotein subunit alpha; minus strand). Cytogenetic location: 15q24.2.
Variant type: single nucleotide variant.
Coding change: c.104C>G on transcript NM_000126.4 (MANE Select); coding-DNA position 104, C replaced by G.
Protein change: p.Pro35Arg; replaces proline 35 with arginine.
Molecular consequence: missense variant. On other transcripts: intron variant (1).
Genome position (GRCh38, 1-based): chr15:76,295,673, G>C on the plus strand (C>G on the coding strand, the complement: ETFA is on the minus strand). VCF-style: chr15-76295673-G-C. GRCh37 (hg19) VCF-style: chr15-76588014-G-C.
Other names: c.40-2973C>G (NM_001127716.2); short protein forms P35R.
Identifiers: ClinVar variation 4700625 (VCV004700625.1).

ClinVar aggregate classification (germline): Uncertain significance (1 of 4 stars; one submission).

Conditions:
Multiple acyl-CoA dehydrogenase deficiency (MADD). Also called: Glutaric Acidemia type 2; Glutaric aciduria, type 2; Glutaric acidemia type II; GA 2; ETHYLMALONIC-ADIPICACIDURIA; GA II. Identifiers: Orphanet 26791, MedGen C0268596, MONDO:0009282, OMIM 231680.

gnomAD v4.1: 4 of 1,613,036 alleles (0.00025%); highest among the groups gnomAD compares: Admixed American, 0.005%; no homozygotes.

Submission:

Labcorp Genetics (formerly Invitae), Labcorp
Classification: Uncertain significance for Multiple acyl-CoA dehydrogenase deficiency. Last evaluated: 2025-07-08. Review status: criteria provided, single submitter. Criteria: Invitae Variant Classification Sherloc (09022015). Collection method: clinical testing. Allele origin: germline.
Comment: This sequence change replaces proline, which is neutral and non-polar, with arginine, which is basic and polar, at codon 35 of the ETFA protein (p.Pro35Arg). This variant is present in population databases (no rsID available, gnomAD 0.006%). This variant has not been reported in the literature in individuals affected with ETFA-related conditions. Invitae Evidence Modeling of protein sequence and biophysical properties (such as structural, functional, and spatial information, amino acid conservation, physicochemical variation, residue mobility, and thermodynamic stability) indicates that this missense variant is not expected to disrupt ETFA protein function with a negative predictive value of 80%. In summary, the available evidence is currently insufficient to determine the role of this variant in disease. Therefore, it has been classified as a Variant of Uncertain Significance.